The following is an entry in ClinVar:

ClinVar aggregate classification (germline): Uncertain significance. Review status: criteria provided, multiple submitters, no conflicts (2 of 4 stars). 3 submissions from 3 submitters: Uncertain significance (2). 1 of the submissions does not count toward it. Last evaluated 2024-04-12.

Conditions:
Hereditary insensitivity to pain with anhidrosis (CIPA). Also called: INSENSITIVITY TO PAIN, CONGENITAL, WITH ANHIDROSIS; NTRK1 Congenital Insensitivity to Pain with Anhidrosis; FAMILIAL DYSAUTONOMIA, TYPE II; NEUROPATHY, CONGENITAL SENSORY, WITH ANHIDROSIS; hereditary sensory and autonomic neuropathy type 4; HSAN Type IV. Identifiers: Orphanet 642, MedGen C0020074, MONDO:0009746, OMIM 256800.

Allele frequency attached by ClinVar (database versions not stated): gnomAD exomes below 0.00001 and 0.00001; gnomAD 0.00001; TOPMed 0.00002; ExAC 0.00004; ESP Exome Variant Server 0.00008.
gnomAD v4.1: 4 of 1,562,418 alleles (0.00026%); highest among the groups gnomAD compares: African/African-American, 0.0054%; no homozygotes.

Submissions (3):

GeneDx
Classification: Uncertain significance. Last evaluated: 2024-04-12. Review status: criteria provided, single submitter. Criteria: GeneDx Variant Classification Process June 2021. Collection method: clinical testing. Allele origin: germline. Affected: yes.
Comment: In silico analysis indicates that this missense variant does not alter protein structure/function; Has not been previously published as pathogenic or benign to our knowledge

Labcorp Genetics (formerly Invitae), Labcorp
Classification: Uncertain significance for Hereditary insensitivity to pain with anhidrosis. Last evaluated: 2021-08-31. Review status: criteria provided, single submitter. Criteria: Invitae Variant Classification Sherloc (09022015). Collection method: clinical testing. Allele origin: germline.
Comment: This sequence change replaces aspartic acid with glycine at codon 380 of the NTRK1 protein (p.Asp380Gly). The aspartic acid residue is highly conserved and there is a moderate physicochemical difference between aspartic acid and glycine. This variant is present in population databases (rs140644885, ExAC 0.03%). This variant has not been reported in the literature in individuals affected with NTRK1-related conditions. Algorithms developed to predict the effect of missense changes on protein structure and function are either unavailable or do not agree on the potential impact of this missense change (SIFT: "Tolerated"; PolyPhen-2: "Possibly Damaging"; Align-GVGD: "Class C0"). In summary, the available evidence is currently insufficient to determine the role of this variant in disease. Therefore, it has been classified as a Variant of Uncertain Significance.

Natera, Inc.
Classification: Uncertain significance for Hereditary insensitivity to pain with anhidrosis. Last evaluated: 2020-02-13. Review status: no assertion criteria provided. Collection method: clinical testing. Allele origin: germline. Not counted in ClinVar's aggregate classification.

NM_002529.4(NTRK1):c.1139A>G (p.Asp380Gly)

Gene: NTRK1 (neurotrophic receptor tyrosine kinase 1; plus strand). Cytogenetic location: 1q23.1.
Variant type: single nucleotide variant.
Coding change: c.1139A>G on transcript NM_002529.4 (MANE Select); coding-DNA position 1139, A replaced by G.
Protein change: p.Asp380Gly; replaces aspartic acid 380 with glycine.
Molecular consequence: missense variant.
Genome position (GRCh38, 1-based): chr1:156,873,921, A>G. VCF-style: chr1-156873921-A-G. GRCh37 (hg19) VCF-style: chr1-156843713-A-G.
Other names: c.1049A>G, p.Asp350Gly (NM_001007792.1); c.1139A>G, p.Asp380Gly (NM_001012331.2); c.1139A>G (NM_001012331.1); short protein forms D350G, D380G.
Identifiers: ClinVar variation 1020630 (VCV001020630.6), dbSNP rs140644885, ClinGen allele CA1169194.